The following is an entry in ClinVar:

ClinVar aggregate classification (germline): Pathogenic. Review status: criteria provided, multiple submitters, no conflicts (2 of 4 stars). 6 submissions from 6 submitters: Pathogenic (5). 1 of the submissions does not count toward it. Last evaluated 2023-06-13.

Conditions:
Hereditary diffuse gastric adenocarcinoma (HDGC). Also called: DIFFUSE GASTRIC AND LOBULAR BREAST CANCER SYNDROME. Identifiers: Orphanet 26106, MedGen C1708349, MONDO:0007648, OMIM 137215.
Hereditary cancer-predisposing syndrome. Also called: Neoplastic Syndromes, Hereditary; Hereditary Cancer Syndrome; Hereditary neoplastic syndrome; Tumor predisposition. Identifiers: Orphanet 140162, MedGen C0027672, MeSH D009386, MONDO:0015356.

Submissions (6):

Myriad Genetics, Inc.
Classification: Pathogenic for Hereditary diffuse gastric adenocarcinoma. Last evaluated: 2023-06-13. Review status: criteria provided, single submitter. Criteria: Myriad Autosomal Dominant, Autosomal Recessive and X-Linked Classification Criteria (2023). Collection method: clinical testing. Allele origin: unknown.
Comment: This variant is considered pathogenic. This variant creates a frameshift predicted to result in premature protein truncation.

Women's Health and Genetics/Laboratory Corporation of America, LabCorp
Classification: Pathogenic for Hereditary diffuse gastric adenocarcinoma. Last evaluated: 2023-05-12. Review status: criteria provided, single submitter. Criteria: LabCorp Variant Classification Summary - May 2015. Collection method: clinical testing. Allele origin: germline.
Comment: Variant summary: CDH1 c.1212delC (p.Asn405IlefsX12) results in a premature termination codon, predicted to cause a truncation of the encoded protein or absence of the protein due to nonsense mediated decay, which are commonly known mechanisms for disease. The variant was absent in 251490 control chromosomes. c.1212delC has been reported in the literature in individuals within a family affected with Hereditary Diffuse Gastric Cancer (example: Yamada_2011). The following publication have been ascertained in the context of this evaluation (PMID: 21777349). Three clinical diagnostic laboratories have submitted clinical-significance assessments for this variant to ClinVar after 2014 without evidence for independent evaluation. All laboratories classified the variant as pathogenic. Based on the evidence outlined above, the variant was classified as pathogenic.

Color Diagnostics, LLC DBA Color Health
Classification: Pathogenic for Hereditary cancer-predisposing syndrome. Last evaluated: 2023-04-03. Review status: criteria provided, single submitter. Criteria: ACMG Guidelines, 2015. Collection method: clinical testing. Allele origin: germline.
Comment: This variant deletes 1 nucleotide in exon 9 of the CDH1 gene, creating a frameshift and premature translation stop signal. This variant is expected to result in an absent or non-functional protein product. To our knowledge, functional studies have not been reported for this variant. This variant has been reported in individuals affected with familial gastric cancer (PMID: 15235021, 21331337, 21777349). This variant has not been identified in the general population by the Genome Aggregation Database (gnomAD). Loss of CDH1 function is a known mechanism of disease. Based on the available evidence, this variant is classified as Pathogenic.

Ambry Genetics
Classification: Pathogenic for Hereditary cancer-predisposing syndrome. Last evaluated: 2023-03-15. Review status: criteria provided, single submitter. Criteria: Ambry Variant Classification Scheme 2023. Collection method: clinical testing. Allele origin: germline.
Comment: The c.1212delC pathogenic mutation, located in coding exon 9 of the CDH1 gene, results from a deletion of one nucleotide at nucleotide position 1212, causing a translational frameshift with a predicted alternate stop codon (p.N405Ifs*12). This alteration has been reported in multiple families meeting clinical diagnosis of hereditary diffuse gastric cancer (HDGC) (Brooks-Wilson AR et al. J Med Genet, 2004 Jul;41:508-17; Newman EA et al. J Am Coll Surg, 2006 Apr;202:612-7; Wilcox R et al. Patholog Res Int, 2011 Feb;2011:845821; Yamada H et al. Cancer Sci, 2011 Oct;102:1782-8; Hansford S et al. JAMA Oncol, 2015 Apr;1:23-32; Muir J et al. J Gastrointest Surg, 2016 Dec;20:1950-1958; Aronson M et al. Curr Oncol, 2020 Apr;27:e182-e190). In addition to the clinical data presented in the literature, this alteration is expected to result in loss of function by premature protein truncation or nonsense-mediated mRNA decay. As such, this alteration is interpreted as a disease-causing mutation.

Labcorp Genetics (formerly Invitae), Labcorp
Classification: Pathogenic for Hereditary diffuse gastric adenocarcinoma. Last evaluated: 2022-12-31. Review status: criteria provided, single submitter. Criteria: Invitae Variant Classification Sherloc (09022015). Collection method: clinical testing. Allele origin: germline.
Comment: For these reasons, this variant has been classified as Pathogenic. ClinVar contains an entry for this variant (Variation ID: 642531). This premature translational stop signal has been observed in individuals with gastric cancer (PMID: 15235021, 21331337, 21777349). This variant is not present in population databases (gnomAD no frequency). This sequence change creates a premature translational stop signal (p.Asn405Ilefs*12) in the CDH1 gene. It is expected to result in an absent or disrupted protein product. Loss-of-function variants in CDH1 are known to be pathogenic (PMID: 15235021, 20373070).

Department of Pathology and Laboratory Medicine, Sinai Health System
Classification: Uncertain significance. Review status: no assertion criteria provided. Collection method: clinical testing. Allele origin: unknown. Affected: yes. Study: The Canadian Open Genetics Repository (COGR). Not counted in ClinVar's aggregate classification.

Literature cited by the submitters: PubMed 21777349 (cited by 4 submitters); PubMed 15235021 (cited by 3 submitters); PubMed 21331337 (cited by 3 submitters); PubMed 16571431 (cited by Ambry Genetics); PubMed 26182300 (cited by Ambry Genetics); PubMed 27752808 (cited by Ambry Genetics); PubMed 32489267 (cited by Ambry Genetics); PubMed 20373070 (cited by Labcorp Genetics (formerly Invitae), Labcorp).

NM_004360.5(CDH1):c.1212del (p.Asn405fs)

Gene: CDH1 (cadherin 1; plus strand). Cytogenetic location: 16q22.1.
Variant type: Deletion.
Coding change: c.1212del on transcript NM_004360.5 (MANE Select); coding-DNA position 1212, one base deleted (C; older notation c.1212delC).
Protein change: p.Asn405fs; shifts the reading frame from asparagine 405.
Molecular consequence: frameshift variant. On other transcripts: 5 prime UTR variant (2), intron variant (1).
Genome position (GRCh38, 1-based): chr16:68,813,387, C deleted; the last of 5 consecutive C bases (chr16:68,813,383-68,813,387); deleting any one gives the same sequence. VCF-style (leftmost placement, unchanged base first): chr16-68813382-GC-G. GRCh37 (hg19) VCF-style: chr16-68847285-GC-G.
Other names: c.-404del (NM_001317185.2); c.-608del (NM_001317186.2); c.1137+1124del (NM_001317184.2); c.1212delC (NM_004360.4); short protein forms N405fs.
Identifiers: ClinVar variation 642531 (VCV000642531.18), dbSNP rs1597895871, ClinGen allele CA915949308.